The following is an entry in ClinVar:

NM_001267550.2(TTN):c.61369G>T (p.Glu20457Ter)

Genes: TTN (titin; minus strand), TTN-AS1 (TTN antisense RNA 1; plus strand). Cytogenetic location: 2q31.2.
Variant type: single nucleotide variant.
Coding change: c.61369G>T on transcript NM_001267550.2 (MANE Select); coding-DNA position 61369, G replaced by T.
Protein change: p.Glu20457Ter; replaces glutamic acid 20457 with a stop codon.
Molecular consequence: nonsense.
Genome position (GRCh38, 1-based): chr2:178,590,356, C>A on the plus strand (G>T on the coding strand, the complement: TTN is on the minus strand). VCF-style: chr2-178590356-C-A. GRCh37 (hg19) VCF-style: chr2-179455083-C-A.
Other names: c.56446G>T, p.Glu18816Ter (NM_001256850.1); c.34174G>T, p.Glu11392Ter (NM_003319.4); c.53665G>T, p.Glu17889Ter (NM_133378.4); c.34549G>T, p.Glu11517Ter (NM_133432.3); c.34750G>T, p.Glu11584Ter (NM_133437.4); short protein forms E17889*, E11517*, E11584*, E11392*, E18816*, E20457*.
Identifiers: ClinVar variation 859744 (VCV000859744.12), dbSNP rs2049944547, ClinGen allele CA349473197.

ClinVar aggregate classification (germline): Likely pathogenic (1 of 4 stars; one submission).

Conditions:
Dilated cardiomyopathy 1G (CMD1G). Identifiers: Orphanet 154, MedGen C1858763, MONDO:0011400, OMIM 604145.
Autosomal recessive limb-girdle muscular dystrophy type 2J (LGMDR10). Also called: Limb-girdle muscular dystrophy, type 2J; MUSCULAR DYSTROPHY, LIMB-GIRDLE, AUTOSOMAL RECESSIVE 10. Identifiers: Orphanet 140922, MedGen C1837342, MONDO:0012127, OMIM 608807.

Submission:

Labcorp Genetics (formerly Invitae), Labcorp
Classification: Likely pathogenic for Dilated cardiomyopathy 1G; Autosomal recessive limb-girdle muscular dystrophy type 2J. Last evaluated: 2023-03-14. Review status: criteria provided, single submitter. Criteria: Invitae Variant Classification Sherloc (09022015). Collection method: clinical testing. Allele origin: germline.
Comment: In summary, the currently available evidence indicates that the variant is pathogenic, but additional data are needed to prove that conclusively. Therefore, this variant has been classified as Likely Pathogenic. This variant is located in the A band of TTN (PMID: 25589632). Truncating variants in this region are significantly overrepresented in patients affected with dilated cardiomyopathy (PMID: 25589632). Truncating variants in this region have also been reported in individuals affected with autosomal recessive centronuclear myopathy (PMID: 23975875). ClinVar contains an entry for this variant (Variation ID: 859744). This variant has not been reported in the literature in individuals affected with TTN-related conditions. This variant is not present in population databases (gnomAD no frequency). This sequence change creates a premature translational stop signal (p.Glu20457*) in the TTN gene. While this is not anticipated to result in nonsense mediated decay, it is expected to create a truncated TTN protein.

Literature cited by the submitters: PubMed 25589632; PubMed 23975875.